The following is an entry in ClinVar:

Single allele

Genes: AIMP2 (aminoacyl tRNA synthetase complex interacting multifunctional protein 2; plus strand), EIF2AK1 (eukaryotic translation initiation factor 2 alpha kinase 1; minus strand), PMS2 (PMS1 homolog 2, mismatch repair system component; minus strand). Cytogenetic location: 7p22.1.
Variant type: Deletion.
Identifiers: ClinVar variation 3062019 (VCV003062019.1).

ClinVar aggregate classification (germline): Pathogenic (1 of 4 stars; one submission).

Submission:

Illumina Laboratory Services, Illumina
Classification: Pathogenic. Last evaluated: 2021-08-21. Review status: criteria provided, single submitter. Criteria: ICSLVariantClassificationCriteria RUGD 01 April 2020. Collection method: clinical testing. Allele origin: unknown.
Comment: This CNV is a 52 kb deletion of 7p22.1 on chromosome 7, (seq[GRCh37]del(7)(p22.1),NC_000007.13:g.6028194_6080194del) of unknown inheritance. This CNV encompasses four protein-coding genes, ANKRD61, AIMP2, EIF2AK1, and PMS2. This CNV results in total loss of the AIMP2 gene. Biallelic loss of function variants in AIMP2 have been associated with an autosomal recessive form of hypomyelinating leukodystrophy (PMIDs: 29215095; 35140751). Similarly sized CNVs have not been observed in controls. Based on the available evidence, this CNV is classified as pathogenic for hypomyelinating leukodystrophy.